The following is an entry in ClinVar:

ClinVar aggregate classification (germline): Uncertain significance. Review status: criteria provided, multiple submitters, no conflicts (2 of 4 stars). 4 submissions from 4 submitters: Uncertain significance (4). Last evaluated 2026-01-26.

Conditions:
Immunodeficiency 66. Identifiers: MedGen C5394265, MONDO:0030013, OMIM 618847.

Allele frequency attached by ClinVar (database versions not stated): ExAC 0.00004; gnomAD exomes 0.00005 and 0.00016; ESP Exome Variant Server 0.00008; TOPMed 0.00011; gnomAD 0.00012 and 0.00013.
gnomAD v4.1: 267 of 1,611,364 alleles (0.017%); highest among the groups gnomAD compares: Middle Eastern, 0.066%; no homozygotes.

Submissions (4):

Labcorp Genetics (formerly Invitae), Labcorp
Classification: Uncertain significance. Last evaluated: 2026-01-26. Review status: criteria provided, single submitter. Criteria: Invitae Variant Classification Sherloc (09022015). Collection method: clinical testing. Allele origin: germline.
Comment: This sequence change replaces alanine, which is neutral and non-polar, with valine, which is neutral and non-polar, at codon 536 of the MKL1 protein (p.Ala536Val). This variant is present in population databases (rs376881633, gnomAD 0.009%). This variant has not been reported in the literature in individuals affected with MKL1-related conditions. ClinVar contains an entry for this variant (Variation ID: 1683019). An algorithm developed to predict the effect of missense changes on protein structure and function (PolyPhen-2) suggests that this variant is likely to be tolerated. In summary, the available evidence is currently insufficient to determine the role of this variant in disease. Therefore, it has been classified as a Variant of Uncertain Significance.

Blueprint Genetics
Classification: Uncertain significance. Last evaluated: 2024-11-07. Review status: criteria provided, single submitter. Criteria: ACMG Guidelines, 2015. Collection method: clinical testing. Allele origin: germline.

Ambry Genetics
Classification: Uncertain significance. Last evaluated: 2024-04-15. Review status: criteria provided, single submitter. Criteria: Ambry Variant Classification Scheme 2023. Collection method: clinical testing. Allele origin: germline.

Fulgent Genetics
Classification: Uncertain significance for Immunodeficiency 66. Last evaluated: 2021-10-26. Review status: criteria provided, single submitter. Criteria: ACMG Guidelines, 2015. Collection method: clinical testing. Allele origin: unknown.

NM_020831.6(MRTFA):c.1907C>T (p.Ala636Val)

Gene: MRTFA (myocardin related transcription factor A; minus strand). Cytogenetic location: 22q13.1.
Variant type: single nucleotide variant.
Coding change: c.1907C>T on transcript NM_020831.6 (MANE Select); coding-DNA position 1907, C replaced by T.
Protein change: p.Ala636Val; replaces alanine 636 with valine.
Molecular consequence: missense variant.
Genome position (GRCh38, 1-based): chr22:40,418,831, G>A on the plus strand (C>T on the coding strand, the complement: MRTFA is on the minus strand). VCF-style: chr22-40418831-G-A. GRCh37 (hg19) VCF-style: chr22-40814835-G-A.
Other names: c.1607C>T, p.Ala536Val (NM_001282660.2); c.1757C>T, p.Ala586Val (NM_001282661.3); c.1907C>T, p.Ala636Val (NM_001282662.3); c.1712C>T, p.Ala571Val (NM_001318139.2); c.1607C>T (NM_020831.3); short protein forms A536V, A571V, A586V, A636V.
Identifiers: ClinVar variation 1683019 (VCV001683019.9), dbSNP rs376881633, ClinGen allele CA10249503.